The following is an entry in ClinVar:

ClinVar aggregate classification (germline): Uncertain significance (1 of 4 stars; one submission).

Submission:

Labcorp Genetics (formerly Invitae), Labcorp
Classification: Uncertain significance. Last evaluated: 2021-12-19. Review status: criteria provided, single submitter. Criteria: Invitae Variant Classification Sherloc (09022015). Collection method: clinical testing. Allele origin: germline.
Comment: This variant is not present in population databases (gnomAD no frequency). In summary, the available evidence is currently insufficient to determine the role of this variant in disease. Therefore, it has been classified as a Variant of Uncertain Significance. Advanced modeling of protein sequence and biophysical properties (such as structural, functional, and spatial information, amino acid conservation, physicochemical variation, residue mobility, and thermodynamic stability) performed at Invitae indicates that this missense variant is expected to disrupt MYH3 protein function. This variant has not been reported in the literature in individuals affected with MYH3-related conditions. This sequence change replaces serine, which is neutral and polar, with proline, which is neutral and non-polar, at codon 242 of the MYH3 protein (p.Ser242Pro).

NM_002470.4(MYH3):c.724T>C (p.Ser242Pro)

Gene: MYH3 (myosin heavy chain 3; minus strand). Cytogenetic location: 17p13.1.
Variant type: single nucleotide variant.
Coding change: c.724T>C on transcript NM_002470.4 (MANE Select); coding-DNA position 724, T replaced by C.
Protein change: p.Ser242Pro; replaces serine 242 with proline.
Molecular consequence: missense variant.
Genome position (GRCh38, 1-based): chr17:10,648,568, A>G on the plus strand (T>C on the coding strand, the complement: MYH3 is on the minus strand). VCF-style: chr17-10648568-A-G. GRCh37 (hg19) VCF-style: chr17-10551885-A-G.
Other names: short protein forms S242P.
Identifiers: ClinVar variation 2048344 (VCV002048344.4), dbSNP rs2508634908, ClinGen allele CA398109525.
Genomic context (GRCh38, chr17:10,648,568, plus strand): 5'-ATTTTGTGAGGCACAAAGCAAATTCCATCTTAACCAAACTCAGACTCACAAAACGGGAGG[A>G]GTTGTCATTCCTCACAGTCTTGGCGTTCCCAAAGGCCTCCAGCAGGGGATTGGCACTGAT-3'
Protein context (NP_002461.2, residues 232-252): GNAKTVRNDN[Ser242Pro]SRFGKFIRIH